The following is an entry in ClinVar:

ClinVar aggregate classification (germline): Likely pathogenic (1 of 4 stars; one submission).

Submission:

Genetic Services Laboratory, University of Chicago
Classification: Likely pathogenic. Last evaluated: 2024-04-15. Review status: criteria provided, single submitter. Criteria: ACMG Guidelines, 2015. Collection method: clinical testing. Allele origin: germline. Affected: yes.
Comment: DNA sequence analysis of the PGAP1 gene demonstrated a single base pair deletion in exon 4, c.574del. This sequence change results in an amino acid frameshift and creates a premature stop codon 1 amino acid downstream of the change, p.Asp192Ilefs*2. This sequence change is predicted to result in an abnormal transcript, which may be degraded, or may lead to the production of a truncated PGAP1 protein with potentially abnormal function. The c.574del sequence change has not been described in the population databases such as ExAC and gnomAD. While this sequence change has not previously been described in the literature, other loss-of-function variants in the PGAP1 gene have been described in several individuals with PGAP1 -related disorders (PMID: 17711852, 26050939, 27848944). Collectively, this evidence indicates that this sequence change is likely pathogenic, however functional studies have not been performed to prove this conclusively.

NM_024989.4(PGAP1):c.574del (p.Asp192fs)

Gene: PGAP1 (post-GPI attachment to proteins inositol deacylase 1; minus strand). Cytogenetic location: 2q33.1.
Variant type: Deletion.
Coding change: c.574del on transcript NM_024989.4 (MANE Select); coding-DNA position 574, one base deleted (G; older notation c.574delG).
Protein change: p.Asp192fs; shifts the reading frame from aspartic acid 192.
Molecular consequence: frameshift variant. On other transcripts: 5 prime UTR variant (1).
Genome position (GRCh38, 1-based): chr2:196,912,957, C deleted on the plus strand (G on the coding strand, the reverse complement: PGAP1 is on the minus strand). VCF-style (leftmost placement, unchanged base first): chr2-196912956-TC-T. GRCh37 (hg19) VCF-style: chr2-197777680-TC-T.
Other names: c.52del, p.Asp18fs (NM_001321099.2); c.-538del (NM_001321100.2); short protein forms D18fs, D192fs.
Identifiers: ClinVar variation 4082478 (VCV004082478.2).